The following is an entry in ClinVar:

NM_001110556.2(FLNA):c.5063T>G (p.Val1688Gly)

Gene: FLNA (filamin A; minus strand). Cytogenetic location: Xq28.
Variant type: single nucleotide variant.
Coding change: c.5063T>G on transcript NM_001110556.2 (MANE Select); coding-DNA position 5063, T replaced by G.
Protein change: p.Val1688Gly; replaces valine 1688 with glycine.
Molecular consequence: missense variant.
Genome position (GRCh38, 1-based): chrX:154,354,979, A>C on the plus strand (T>G on the coding strand, the complement: FLNA is on the minus strand). VCF-style: chrX-154354979-A-C. GRCh37 (hg19) VCF-style: chrX-153583347-A-C.
Other names: c.5039T>G, p.Val1680Gly (NM_001456.4); c.5039T>G (NM_001456.3); short protein forms V1688G, V1680G.
Identifiers: ClinVar variation 523405 (VCV000523405.10), dbSNP rs1461148946, ClinGen allele CA415208131.

ClinVar aggregate classification (germline): Uncertain significance. Review status: criteria provided, multiple submitters, no conflicts (2 of 4 stars). 3 submissions from 3 submitters: Uncertain significance (3). Last evaluated 2023-12-06.

Conditions:
Melnick-Needles syndrome (MNS). Also called: MELNICK-NEEDLES OSTEODYSPLASTY; Melnick-Needles Syndrome (FLNA-MNS); OSTEODYSPLASTY OF MELNICK AND NEEDLES. Identifiers: Orphanet 2484, MedGen C0025237, MONDO:0010650, OMIM 309350.
Frontometaphyseal dysplasia (FMD1). Identifiers: Orphanet 1826, MedGen C0265293, MONDO:0015942.
Heterotopia, periventricular, X-linked dominant (PVNH1). Also called: PERIVENTRICULAR NODULAR HETEROTOPIA 4; HETEROTOPIA, PERIVENTRICULAR, 1; PERIVENTRICULAR NODULAR HETEROTOPIA 1; X-linked periventricular heterotopia. Identifiers: Orphanet 2149, Orphanet 82004, MedGen C1848213, MONDO:0010233, OMIM 300049.
Oto-palato-digital syndrome, type II (OPD2). Also called: Otopalatodigital Syndrome Type 2 (FLNA-OPD2); FACIOPALATOOSSEOUS SYNDROME; OPD II SYNDROME; Otopalatodigital Syndrome, Type II. Identifiers: Orphanet 669, Orphanet 90652, MedGen C1844696, MONDO:0010571, OMIM 304120.

Allele frequency attached by ClinVar (database versions not stated): gnomAD exomes below 0.00001 and 0.00001; TOPMed below 0.00001; gnomAD 0.00001.
gnomAD v4.1: 2 of 1,210,637 alleles (0.00017%); highest among the groups gnomAD compares: Non-Finnish European, 0.00022%; no homozygotes.

Submissions (3):

GeneDx
Classification: Uncertain significance. Last evaluated: 2023-12-06. Review status: criteria provided, single submitter. Criteria: GeneDx Variant Classification Process June 2021. Collection method: clinical testing. Allele origin: germline. Affected: yes.
Comment: Not observed at significant frequency in large population cohorts (gnomAD); In silico analysis supports that this missense variant has a deleterious effect on protein structure/function; Has not been previously published as pathogenic or benign to our knowledge

Labcorp Genetics (formerly Invitae), Labcorp
Classification: Uncertain significance for Oto-palato-digital syndrome, type II; Heterotopia, periventricular, X-linked dominant; Frontometaphyseal dysplasia; Melnick-Needles syndrome. Last evaluated: 2022-05-17. Review status: criteria provided, single submitter. Criteria: Invitae Variant Classification Sherloc (09022015). Collection method: clinical testing. Allele origin: germline.
Comment: In summary, the available evidence is currently insufficient to determine the role of this variant in disease. Therefore, it has been classified as a Variant of Uncertain Significance. Advanced modeling of protein sequence and biophysical properties (such as structural, functional, and spatial information, amino acid conservation, physicochemical variation, residue mobility, and thermodynamic stability) performed at Invitae indicates that this missense variant is expected to disrupt FLNA protein function. ClinVar contains an entry for this variant (Variation ID: 523405). This variant has not been reported in the literature in individuals affected with FLNA-related conditions. This variant is not present in population databases (gnomAD no frequency). This sequence change replaces valine, which is neutral and non-polar, with glycine, which is neutral and non-polar, at codon 1680 of the FLNA protein (p.Val1680Gly).

Centre for Mendelian Genomics, University Medical Centre Ljubljana
Classification: Uncertain significance for Heterotopia, periventricular, X-linked dominant. Last evaluated: 2021-05-17. Review status: criteria provided, single submitter. Criteria: ACMG Guidelines, 2015. Collection method: clinical testing. Allele origin: unknown. Affected: yes.